The following is an entry in ClinVar:

NM_001127178.3(PIGG):c.2093C>G (p.Ser698Cys)

Gene: PIGG (phosphatidylinositol glycan anchor biosynthesis class G (EMM blood group); plus strand). Cytogenetic location: 4p16.3.
Variant type: single nucleotide variant.
Coding change: c.2093C>G on transcript NM_001127178.3 (MANE Select); coding-DNA position 2093, C replaced by G.
Protein change: p.Ser698Cys; replaces serine 698 with cysteine.
Molecular consequence: missense variant. On other transcripts: non-coding transcript variant (10).
Genome position (GRCh38, 1-based): chr4:527,062, C>G. VCF-style: chr4-527062-C-G. GRCh37 (hg19) VCF-style: chr4-520851-C-G.
Other names: c.1826C>G, p.Ser609Cys (NM_001289051.2, NM_001345986.2); c.1694C>G, p.Ser565Cys (NM_001289052.2); c.1802C>G, p.Ser601Cys (NM_001345987.2); c.1064C>G, p.Ser355Cys (NM_001345988.2); c.560C>G, p.Ser187Cys (NM_001345990.2, NM_001345991.2); c.995C>G, p.Ser332Cys (NM_001345994.2); c.2069C>G, p.Ser690Cys (NM_017733.5); short protein forms S187C, S332C, S565C, S698C, S355C, S601C, S609C, S690C.
Identifiers: ClinVar variation 1992806 (VCV001992806.4), dbSNP rs756075731, ClinGen allele CA355908487.

ClinVar aggregate classification (germline): Uncertain significance (1 of 4 stars; one submission).

Conditions:
Intellectual disability, autosomal recessive 53 (NEDHSCA). Also called: NEURODEVELOPMENTAL DISORDER WITH OR WITHOUT HYPOTONIA, SEIZURES, AND CEREBELLAR ATROPHY; GLYCOSYLPHOSPHATIDYLINOSITOL BIOSYNTHESIS DEFECT 13; Mental retardation, autosomal recessive 53. Identifiers: Orphanet 488635, MedGen C4310794, MONDO:0014832, OMIM 616917.

Allele frequency attached by ClinVar (database versions not stated): gnomAD exomes below 0.00001.
gnomAD v4.1: 1 of 1,614,164 alleles (0.000062%); highest among the groups gnomAD compares: Admixed American, 0.0017%; no homozygotes.

Submission:

Labcorp Genetics (formerly Invitae), Labcorp
Classification: Uncertain significance for Intellectual disability, autosomal recessive 53. Last evaluated: 2022-07-29. Review status: criteria provided, single submitter. Criteria: Invitae Variant Classification Sherloc (09022015). Collection method: clinical testing. Allele origin: germline.
Comment: This sequence change replaces serine, which is neutral and polar, with cysteine, which is neutral and slightly polar, at codon 698 of the PIGG protein (p.Ser698Cys). This variant is present in population databases (no rsID available, gnomAD 0.003%). This variant has not been reported in the literature in individuals affected with PIGG-related conditions. Algorithms developed to predict the effect of missense changes on protein structure and function are either unavailable or do not agree on the potential impact of this missense change (SIFT: "Tolerated"; PolyPhen-2: "Probably Damaging"; Align-GVGD: "Class C0"). In summary, the available evidence is currently insufficient to determine the role of this variant in disease. Therefore, it has been classified as a Variant of Uncertain Significance.